The following is an entry in ClinVar:

ClinVar aggregate classification (germline): Uncertain significance. Review status: criteria provided, multiple submitters, no conflicts (2 of 4 stars). 2 submissions from 2 submitters: Uncertain significance (2). Last evaluated 2025-10-01.

Conditions:
Inborn genetic diseases. Identifiers: MedGen C0950123, MeSH D030342.
Charcot-Marie-Tooth disease, type I (CMT1). Also called: Charcot-Marie-Tooth disease type 1; Charcot-Marie-Tooth, Type 1. Identifiers: Orphanet 65753, MedGen C0751036, MONDO:0019011.

Allele frequency attached by ClinVar (database versions not stated): gnomAD exomes below 0.00001; gnomAD 0.00001; TOPMed 0.00001.
gnomAD v4.1: 5 of 1,611,420 alleles (0.00031%); highest among the groups gnomAD compares: Non-Finnish European, 0.00042%; no homozygotes.

Submissions (2):

Labcorp Genetics (formerly Invitae), Labcorp
Classification: Uncertain significance for Charcot-Marie-Tooth disease, type I. Last evaluated: 2025-10-01. Review status: criteria provided, single submitter. Criteria: Invitae Variant Classification Sherloc (09022015). Collection method: clinical testing. Allele origin: germline.
Comment: This sequence change replaces alanine, which is neutral and non-polar, with proline, which is neutral and non-polar, at codon 303 of the EGR2 protein (p.Ala303Pro). This variant is not present in population databases (gnomAD no frequency). This variant has not been reported in the literature in individuals affected with EGR2-related conditions. ClinVar contains an entry for this variant (Variation ID: 1510536). Invitae Evidence Modeling of protein sequence and biophysical properties (such as structural, functional, and spatial information, amino acid conservation, physicochemical variation, residue mobility, and thermodynamic stability) has been performed for this missense variant. However, the output from this modeling did not meet the statistical confidence thresholds required to predict the impact of this variant on EGR2 protein function. In summary, the available evidence is currently insufficient to determine the role of this variant in disease. Therefore, it has been classified as a Variant of Uncertain Significance.

Ambry Genetics
Classification: Uncertain significance for Inborn genetic diseases. Last evaluated: 2020-08-13. Review status: criteria provided, single submitter. Criteria: Ambry Variant Classification Scheme 2023. Collection method: clinical testing. Allele origin: germline.
Comment: The p.A303P variant (also known as c.907G>C), located in coding exon 2 of the EGR2 gene, results from a G to C substitution at nucleotide position 907. The alanine at codon 303 is replaced by proline, an amino acid with highly similar properties. This amino acid position is highly conserved in available vertebrate species. In addition, this alteration is predicted to be tolerated by in silico analysis. Since supporting evidence is limited at this time, the clinical significance of this alteration remains unclear.

NM_000399.5(EGR2):c.907G>C (p.Ala303Pro)

Gene: EGR2 (early growth response 2; minus strand). Cytogenetic location: 10q21.3.
Variant type: single nucleotide variant.
Coding change: c.907G>C on transcript NM_000399.5 (MANE Select); coding-DNA position 907, G replaced by C.
Protein change: p.Ala303Pro; replaces alanine 303 with proline.
Molecular consequence: missense variant.
Genome position (GRCh38, 1-based): chr10:62,813,731, C>G on the plus strand (G>C on the coding strand, the complement: EGR2 is on the minus strand). VCF-style: chr10-62813731-C-G. GRCh37 (hg19) VCF-style: chr10-64573491-C-G.
Other names: c.907G>C, p.Ala303Pro (NM_001136177.3, NM_001136178.2); c.757G>C, p.Ala253Pro (NM_001136179.3, NM_001321037.2); short protein forms A303P, A253P.
Identifiers: ClinVar variation 1510536 (VCV001510536.8), dbSNP rs1456482795, ClinGen allele CA377028486.